The following is an entry in ClinVar:

NM_018060.4(IARS2):c.2017A>G (p.Ile673Val)

Gene: IARS2 (isoleucyl-tRNA synthetase 2, mitochondrial; plus strand). Cytogenetic location: 1q41.
Variant type: single nucleotide variant.
Coding change: c.2017A>G on transcript NM_018060.4 (MANE Select); coding-DNA position 2017, A replaced by G.
Protein change: p.Ile673Val; replaces isoleucine 673 with valine.
Molecular consequence: missense variant.
Genome position (GRCh38, 1-based): chr1:220,136,879, A>G. VCF-style: chr1-220136879-A-G. GRCh37 (hg19) VCF-style: chr1-220310221-A-G.
Other names: c.2017A>G (NM_018060.3); short protein forms I673V.
Identifiers: ClinVar variation 1434440 (VCV001434440.7), dbSNP rs777839264, ClinGen allele CA1401652.

ClinVar aggregate classification (germline): Uncertain significance. Review status: criteria provided, multiple submitters, no conflicts (2 of 4 stars). 2 submissions from 2 submitters: Uncertain significance (2). Last evaluated 2024-01-23.

Conditions:
Inborn genetic diseases. Identifiers: MedGen C0950123, MeSH D030342.

Allele frequency attached by ClinVar (database versions not stated): gnomAD 0.00001; ExAC 0.00002; gnomAD exomes 0.00003.
gnomAD v4.1: 12 of 1,610,114 alleles (0.00075%); highest among the groups gnomAD compares: Admixed American, 0.015%; no homozygotes.

Submissions (2):

Ambry Genetics
Classification: Uncertain significance for Inborn genetic diseases. Last evaluated: 2024-01-23. Review status: criteria provided, single submitter. Criteria: Ambry Variant Classification Scheme 2023. Collection method: clinical testing. Allele origin: germline.

Labcorp Genetics (formerly Invitae), Labcorp
Classification: Uncertain significance. Last evaluated: 2021-04-22. Review status: criteria provided, single submitter. Criteria: Invitae Variant Classification Sherloc (09022015). Collection method: clinical testing. Allele origin: germline.
Comment: In summary, the available evidence is currently insufficient to determine the role of this variant in disease. Therefore, it has been classified as a Variant of Uncertain Significance. Algorithms developed to predict the effect of missense changes on protein structure and function output the following: SIFT: "Tolerated"; PolyPhen-2: "Benign"; Align-GVGD: "Class C0". The valine amino acid residue is found in multiple mammalian species, suggesting that this missense change does not adversely affect protein function. These predictions have not been confirmed by published functional studies and their clinical significance is uncertain. This variant has not been reported in the literature in individuals with IARS2-related conditions. This variant is present in population databases (rs777839264, ExAC 0.03%). This sequence change replaces isoleucine with valine at codon 673 of the IARS2 protein (p.Ile673Val). The isoleucine residue is moderately conserved and there is a small physicochemical difference between isoleucine and valine.